The following is an entry in ClinVar:

ClinVar aggregate classification (germline): Pathogenic. Review status: criteria provided, multiple submitters, no conflicts (2 of 4 stars). 2 submissions from 2 submitters: Pathogenic (2). Last evaluated 2025-07-23.

Conditions:
Inborn genetic diseases. Identifiers: MedGen C0950123, MeSH D030342.

Submissions (2):

GeneDx
Classification: Pathogenic. Last evaluated: 2025-07-23. Review status: criteria provided, single submitter. Criteria: GeneDx Variant Classification Process June 2021. Collection method: clinical testing. Allele origin: germline. Affected: yes.
Comment: Nonsense variant predicted to result in protein truncation or nonsense mediated decay in a gene for which loss of function is a known mechanism of disease; Not observed at significant frequency in large population cohorts (gnomAD); This variant is associated with the following publications: (PMID: 33565190, 38166033)

Ambry Genetics
Classification: Pathogenic for Inborn genetic diseases. Last evaluated: 2020-03-30. Review status: criteria provided, single submitter. Criteria: Ambry Variant Classification Scheme 2023. Collection method: clinical testing. Allele origin: germline.
Comment: The alteration results in a premature stop codon: _x000D_ _x000D_ The c.2083C>T (p.R695*) alteration, located in exon 17 (coding exon 16) of the TAOK1 gene, results from a C to T substitution at nucleotide position 2083. This changes the amino acid from an arginine (R) to a stop codon at amino acid position 695. This alteration is expected to result in loss of function by premature protein truncation or nonsense-mediated mRNA decay. Based on the available evidence, this alteration is classified as pathogenic.

NM_020791.4(TAOK1):c.2083C>T (p.Arg695Ter)

Gene: TAOK1 (TAO kinase 1; plus strand). Cytogenetic location: 17q11.2.
Variant type: single nucleotide variant.
Coding change: c.2083C>T on transcript NM_020791.4 (MANE Select); coding-DNA position 2083, C replaced by T.
Protein change: p.Arg695Ter; replaces arginine 695 with a stop codon.
Molecular consequence: nonsense. On other transcripts: intron variant (1).
Genome position (GRCh38, 1-based): chr17:29,522,454, C>T. VCF-style: chr17-29522454-C-T. GRCh37 (hg19) VCF-style: chr17-27849472-C-T.
Other names: c.1705-7953C>T (NM_025142.1); short protein forms R695*.
Identifiers: ClinVar variation 986121 (VCV000986121.8), dbSNP rs2031936282, ClinGen allele CA398911617.
Genomic context (GRCh38, chr17:29,522,454, plus strand): 5'-TGTGAGTTGATCAGATTACAGCATCAAACTGAGCTCACTAACCAGCTGGAATATAATAAG[C>T]GAAGAGAACGAGAACTAAGACGAAAGCATGTCATGGAAGTTCGACAACAGCCTAAGAGTT-3'